The following is an entry in ClinVar:

ClinVar aggregate classification (germline): Likely benign (0 of 4 stars; one submission).

Conditions:
ERCC5-related disorder. Also called: ERCC5-related condition.

gnomAD v4.1: 2 of 1,614,220 alleles (0.00012%); highest among the groups gnomAD compares: Non-Finnish European, 0.00017%; no homozygotes.

Submission:

PreventionGenetics, part of Exact Sciences
Classification: Likely benign for ERCC5-related condition. Last evaluated: 2020-10-16. Review status: no assertion criteria provided. Collection method: clinical testing. Allele origin: germline.
Comment: This variant is classified as likely benign based on ACMG/AMP sequence variant interpretation guidelines (Richards et al. 2015 PMID: 25741868, with internal and published modifications).

NM_000123.4(ERCC5):c.2463C>T (p.Val821=)

Genes: BIVM-ERCC5 (BIVM-ERCC5 readthrough; plus strand), ERCC5 (ERCC excision repair 5, endonuclease; plus strand), LOC126861834 (BRD4-independent group 4 enhancer GRCh37_chr13:103518038-103519237; plus strand). Cytogenetic location: 13q33.1.
Variant type: single nucleotide variant.
Coding change: c.2463C>T on transcript NM_000123.4 (MANE Select); coding-DNA position 2463, C replaced by T.
Protein change: p.Val821=; no amino-acid change (valine 821 retained).
Molecular consequence: synonymous variant.
Genome position (GRCh38, 1-based): chr13:102,866,775, C>T. VCF-style: chr13-102866775-C-T. GRCh37 (hg19) VCF-style: chr13-103519125-C-T.
Other names: c.3825C>T, p.Val1275= (NM_001204425.2).
Identifiers: ClinVar variation 3032586 (VCV003032586.2), dbSNP rs113119488, ClinGen allele CA484777548.